The following is an entry in ClinVar:

ClinVar aggregate classification (germline): Uncertain significance (1 of 4 stars; one submission).

Submission:

GeneDx
Classification: Uncertain significance. Last evaluated: 2021-04-19. Review status: criteria provided, single submitter. Criteria: GeneDx Variant Classification Process June 2021. Collection method: clinical testing. Allele origin: germline. Affected: yes.
Comment: Not observed in large population cohorts (Lek et al., 2016); In silico analysis supports that this missense variant has a deleterious effect on protein structure/function; Has not been previously published as pathogenic or benign to our knowledge

NM_000441.2(SLC26A4):c.1528G>T (p.Val510Phe)

Gene: SLC26A4 (solute carrier family 26 member 4; plus strand). Cytogenetic location: 7q22.3.
Variant type: single nucleotide variant.
Coding change: c.1528G>T on transcript NM_000441.2 (MANE Select); coding-DNA position 1528, G replaced by T.
Protein change: p.Val510Phe; replaces valine 510 with phenylalanine.
Molecular consequence: missense variant.
Genome position (GRCh38, 1-based): chr7:107,696,023, G>T. VCF-style: chr7-107696023-G-T. GRCh37 (hg19) VCF-style: chr7-107336468-G-T.
Other names: short protein forms V510F.
Identifiers: ClinVar variation 1314732 (VCV001314732.2), dbSNP rs2129317161, ClinGen allele CA368841357.